The following is an entry in ClinVar:

NM_015909.4(NBAS):c.5554C>T (p.Gln1852Ter)

Gene: NBAS (NBAS subunit of NRZ tethering complex; minus strand). Cytogenetic location: 2p24.3.
Variant type: single nucleotide variant.
Coding change: c.5554C>T on transcript NM_015909.4 (MANE Select); coding-DNA position 5554, C replaced by T.
Protein change: p.Gln1852Ter; replaces glutamine 1852 with a stop codon.
Molecular consequence: nonsense. On other transcripts: non-coding transcript variant (1).
Genome position (GRCh38, 1-based): chr2:15,275,654, G>A on the plus strand (C>T on the coding strand, the complement: NBAS is on the minus strand). VCF-style: chr2-15275654-G-A. GRCh37 (hg19) VCF-style: chr2-15415778-G-A.
Other names: short protein forms Q1852*.
Identifiers: ClinVar variation 2697741 (VCV002697741.3), dbSNP rs200179726, ClinGen allele CA1535272.

ClinVar aggregate classification (germline): Pathogenic (1 of 4 stars; one submission).

Allele frequency attached by ClinVar (database versions not stated): gnomAD exomes below 0.00001; ExAC 0.00001.
gnomAD v4.1: 7 of 1,614,198 alleles (0.00043%); highest among the groups gnomAD compares: Non-Finnish European, 0.00059%; no homozygotes.

Submission:

Labcorp Genetics (formerly Invitae), Labcorp
Classification: Pathogenic. Last evaluated: 2023-11-28. Review status: criteria provided, single submitter. Criteria: Invitae Variant Classification Sherloc (09022015). Collection method: clinical testing. Allele origin: germline.
Comment: This sequence change creates a premature translational stop signal (p.Gln1852*) in the NBAS gene. It is expected to result in an absent or disrupted protein product. Loss-of-function variants in NBAS are known to be pathogenic (PMID: 26073778, 26541327, 27789416, 28031453). This variant is present in population databases (rs200179726, gnomAD 0.003%). This variant has not been reported in the literature in individuals affected with NBAS-related conditions. For these reasons, this variant has been classified as Pathogenic.

Literature cited by the submitters: PubMed 26073778; PubMed 26541327; PubMed 27789416; PubMed 28031453.